The following is an entry in ClinVar:

NM_001382430.1(AKT1):c.567+16T>G

Gene: AKT1 (AKT serine/threonine kinase 1; minus strand). Cytogenetic location: 14q32.33.
Variant type: single nucleotide variant.
Coding change: c.567+16T>G on transcript NM_001382430.1 (MANE Select); 16 bases into the intron after coding-DNA position 567, T replaced by G.
Molecular consequence: intron variant.
Genome position (GRCh38, 1-based): chr14:104,775,060, A>C on the plus strand (T>G on the coding strand, the complement: AKT1 is on the minus strand). VCF-style: chr14-104775060-A-C. GRCh37 (hg19) VCF-style: chr14-105241397-A-C.
Other names: c.567+16T>G (NM_001014431.2, NM_001014432.2, NM_001382433.1 and 3 more transcripts).
Identifiers: ClinVar variation 930971 (VCV000930971.4), dbSNP rs1892625907, ClinGen allele CA1139663768.

ClinVar aggregate classification (germline): Uncertain significance (1 of 4 stars; one submission).

Conditions:
Familial cancer of breast. Also called: Hereditary breast cancer; BREAST CANCER, FAMILIAL; hereditary breast carcinoma. Identifiers: Orphanet 227535, MedGen C0346153, MONDO:0016419, OMIM 114480. Disease mechanism: loss of function.

Submission:

Centre for Mendelian Genomics, University Medical Centre Ljubljana
Classification: Uncertain significance for Familial cancer of breast. Last evaluated: 2018-11-04. Review status: criteria provided, single submitter. Criteria: ACMG Guidelines, 2015. Collection method: clinical testing. Allele origin: unknown. Affected: yes.
Comment: This variant was classified as: Uncertain significance. The available evidence on this variant's pathogenicity is insufficient or conflicting. The following ACMG criteria were applied in classifying this variant: PM2,BP4.